The following is an entry in ClinVar:

ClinVar aggregate classification (germline): Uncertain significance (1 of 4 stars; one submission).

Conditions:
Tuberous sclerosis 1 (TSC1). Identifiers: Orphanet 805, MedGen C1854465, MONDO:0008612, OMIM 191100.

Submission:

Labcorp Genetics (formerly Invitae), Labcorp
Classification: Uncertain significance for Tuberous sclerosis 1. Last evaluated: 2024-11-24. Review status: criteria provided, single submitter. Criteria: Invitae Variant Classification Sherloc (09022015). Collection method: clinical testing. Allele origin: germline.
Comment: This sequence change replaces serine, which is neutral and polar, with tyrosine, which is neutral and polar, at codon 1141 of the TSC1 protein (p.Ser1141Tyr). This variant is not present in population databases (gnomAD no frequency). This variant has not been reported in the literature in individuals affected with TSC1-related conditions. Invitae Evidence Modeling of protein sequence and biophysical properties (such as structural, functional, and spatial information, amino acid conservation, physicochemical variation, residue mobility, and thermodynamic stability) indicates that this missense variant is not expected to disrupt TSC1 protein function with a negative predictive value of 95%. In summary, the available evidence is currently insufficient to determine the role of this variant in disease. Therefore, it has been classified as a Variant of Uncertain Significance.

NM_000368.5(TSC1):c.3422C>A (p.Ser1141Tyr)

Gene: TSC1 (TSC complex subunit 1; minus strand). Cytogenetic location: 9q34.13.
Variant type: single nucleotide variant.
Coding change: c.3422C>A on transcript NM_000368.5 (MANE Select); coding-DNA position 3422, C replaced by A.
Protein change: p.Ser1141Tyr; replaces serine 1141 with tyrosine.
Molecular consequence: missense variant. On other transcripts: non-coding transcript variant (5).
Genome position (GRCh38, 1-based): chr9:132,896,308, G>T on the plus strand (C>A on the coding strand, the complement: TSC1 is on the minus strand). VCF-style: chr9-132896308-G-T. GRCh37 (hg19) VCF-style: chr9-135771695-G-T.
Other names: c.3422C>A, p.Ser1141Tyr (NM_001406594.1, NM_001406595.1, NM_001406596.1 and 2 more transcripts); c.3419C>A, p.Ser1140Tyr (NM_001406597.1, NM_001406598.1, NM_001406599.1 and 2 more transcripts); c.3407C>A, p.Ser1136Tyr (NM_001406601.1, NM_001406602.1); c.3404C>A, p.Ser1135Tyr (NM_001406603.1, NM_001406604.1); c.3380C>A, p.Ser1127Tyr (NM_001406605.1, NM_001406606.1, NM_001406607.1); c.3377C>A, p.Ser1126Tyr (NM_001406608.1, NM_001406609.1); c.3269C>A, p.Ser1090Tyr (NM_001406610.1, NM_001162427.2); c.3266C>A, p.Ser1089Tyr (NM_001406611.1, NM_001406612.1); and 8 more; short protein forms S1006Y, S1019Y, S1075Y, S1127Y, S790Y, S1090Y, S1135Y, S1141Y.
Identifiers: ClinVar variation 3720859 (VCV003720859.2).